The following is an entry in ClinVar:

NM_000384.3(APOB):c.1538G>A (p.Cys513Tyr)

Gene: APOB (apolipoprotein B; minus strand). Cytogenetic location: 2p24.1.
Variant type: single nucleotide variant.
Coding change: c.1538G>A on transcript NM_000384.3 (MANE Select); coding-DNA position 1538, G replaced by A.
Protein change: p.Cys513Tyr; replaces cysteine 513 with tyrosine.
Molecular consequence: missense variant.
Genome position (GRCh38, 1-based): chr2:21,029,718, C>T on the plus strand (G>A on the coding strand, the complement: APOB is on the minus strand). VCF-style: chr2-21029718-C-T. GRCh37 (hg19) VCF-style: chr2-21252590-C-T.
Other names: short protein forms C513Y.
Identifiers: ClinVar variation 5027437 (VCV005027437.1), dbSNP rs1260530183.

ClinVar aggregate classification (germline): Uncertain significance (1 of 4 stars; one submission).

Conditions:
Cardiovascular phenotype. Identifiers: MedGen CN230736.

Allele frequency attached by ClinVar (database versions not stated): gnomAD 0.00003.

Submission:

Ambry Genetics
Classification: Uncertain significance for Cardiovascular phenotype. Last evaluated: 2026-07-02. Review status: criteria provided, single submitter. Criteria: Ambry Variant Classification Scheme 2023. Collection method: clinical testing. Allele origin: germline.
Comment: The p.C513Y variant (also known as c.1538G>A), located in coding exon 12 of the APOB gene, results from a G to A substitution at nucleotide position 1538. The cysteine at codon 513 is replaced by tyrosine, an amino acid with highly dissimilar properties. This amino acid position is conserved. In addition, this alteration is predicted to be deleterious by in silico analysis. Based on the available evidence, the clinical significance of this variant remains unclear.